The following is an entry in ClinVar:

NM_001110556.2(FLNA):c.4050C>T (p.Thr1350=)

Gene: FLNA (filamin A; minus strand). Cytogenetic location: Xq28.
Variant type: single nucleotide variant.
Coding change: c.4050C>T on transcript NM_001110556.2 (MANE Select); coding-DNA position 4050, C replaced by T.
Protein change: p.Thr1350=; no amino-acid change (threonine 1350 retained).
Molecular consequence: synonymous variant.
Genome position (GRCh38, 1-based): chrX:154,359,576, G>A on the plus strand (C>T on the coding strand, the complement: FLNA is on the minus strand). VCF-style: chrX-154359576-G-A. GRCh37 (hg19) VCF-style: chrX-153587944-G-A.
Other names: c.4050C>T, p.Thr1350= (NM_001456.4).
Identifiers: ClinVar variation 765526 (VCV000765526.36), dbSNP rs1603360933, ClinGen allele CA519707656.
Genomic context (GRCh38, chrX:154,359,576, plus strand): 5'-GGTGGTGCCACTTTGGATGCCTGGCCCGTGGACACGCACCCGGGAGGGGTCGCAGCCCTC[G>A]GTCACGGGCACCTGGAAGGGGCTGCTGGGCACGGGACTGCCGTCATAGGTCACGTCCACG-3'
Protein context (NP_001104026.1, residues 1340-1360): VPSSPFQVPV[Thr1350=]EGCDPSRVRV

ClinVar aggregate classification (germline): Likely benign. Review status: criteria provided, multiple submitters, no conflicts (2 of 4 stars). 4 submissions from 4 submitters: Likely benign (4). Last evaluated 2025-02-06.

Conditions:
Heterotopia, periventricular, X-linked dominant (PVNH1). Also called: PERIVENTRICULAR NODULAR HETEROTOPIA 4; HETEROTOPIA, PERIVENTRICULAR, 1; X-linked periventricular heterotopia; PERIVENTRICULAR NODULAR HETEROTOPIA 1. Identifiers: Orphanet 2149, Orphanet 82004, MedGen C1848213, MONDO:0010233, OMIM 300049.
Frontometaphyseal dysplasia (FMD1). Identifiers: Orphanet 1826, MedGen C0265293, MONDO:0015942.
Melnick-Needles syndrome (MNS). Also called: MELNICK-NEEDLES OSTEODYSPLASTY; OSTEODYSPLASTY OF MELNICK AND NEEDLES; Melnick-Needles Syndrome (FLNA-MNS). Identifiers: Orphanet 2484, MedGen C0025237, MONDO:0010650, OMIM 309350.
Oto-palato-digital syndrome, type II (OPD2). Also called: FACIOPALATOOSSEOUS SYNDROME; Otopalatodigital Syndrome, Type II; OPD II SYNDROME; Otopalatodigital Syndrome Type 2 (FLNA-OPD2). Identifiers: Orphanet 669, Orphanet 90652, MedGen C1844696, MONDO:0010571, OMIM 304120.
Familial thoracic aortic aneurysm and aortic dissection (TAAD). Also called: Thoracic aortic aneurysms and dissections. Identifiers: Orphanet 91387, MedGen C4707243, MONDO:0019625.

Allele frequency attached by ClinVar (database versions not stated): gnomAD exomes below 0.00001.

Submissions (4):

Ambry Genetics
Classification: Likely benign for Familial thoracic aortic aneurysm and aortic dissection. Last evaluated: 2025-02-06. Review status: criteria provided, single submitter. Criteria: Ambry Variant Classification Scheme 2023. Collection method: clinical testing. Allele origin: germline.

Labcorp Genetics (formerly Invitae), Labcorp
Classification: Likely benign for Oto-palato-digital syndrome, type II; Heterotopia, periventricular, X-linked dominant; Frontometaphyseal dysplasia; Melnick-Needles syndrome. Last evaluated: 2024-01-04. Review status: criteria provided, single submitter. Criteria: Invitae Variant Classification Sherloc (09022015). Collection method: clinical testing. Allele origin: germline.

CeGaT Center for Human Genetics Tuebingen
Classification: Likely benign. Last evaluated: 2023-06-01. Review status: criteria provided, single submitter. Criteria: CeGaT Center For Human Genetics Tuebingen Variant Classification Criteria Version 2. Collection method: clinical testing. Allele origin: germline. Affected: yes. Observed: 1 variant allele.
Comment: FLNA: BP4, BP7

Blueprint Genetics
Classification: Likely benign. Last evaluated: 2022-12-14. Review status: criteria provided, single submitter. Criteria: ACMG Guidelines, 2015. Collection method: clinical testing. Allele origin: germline.